The following is an entry in ClinVar:

NM_012208.4(HARS2):c.184-16T>C

Gene: HARS2 (histidyl-tRNA synthetase 2, mitochondrial; plus strand). Cytogenetic location: 5q31.3.
Variant type: single nucleotide variant.
Coding change: c.184-16T>C on transcript NM_012208.4 (MANE Select); 16 bases into the intron before coding-DNA position 184, T replaced by C.
Molecular consequence: intron variant.
Genome position (GRCh38, 1-based): chr5:140,693,919, T>C. VCF-style: chr5-140693919-T-C. GRCh37 (hg19) VCF-style: chr5-140073504-T-C.
Other names: c.-27-16T>C (NM_001278732.2, NM_001363536.2); c.202-16T>C (NM_001363535.2); c.109-16T>C (NM_001278731.2).
Identifiers: ClinVar variation 517888 (VCV000517888.4), dbSNP rs201685681, ClinGen allele CA3444336.

ClinVar aggregate classification (germline): Likely benign. Review status: criteria provided, multiple submitters, no conflicts (2 of 4 stars). 2 submissions from 2 submitters: Likely benign (2). Last evaluated 2024-02-06.

Allele frequency attached by ClinVar (database versions not stated): 1000 Genomes Project 30x 0.00016; 1000 Genomes Project 0.00020; ExAC 0.00001; gnomAD 0.00001 and 0.00002; TOPMed 0.00001; gnomAD exomes 0.00002; ESP Exome Variant Server 0.00008.

Submissions (2):

Labcorp Genetics (formerly Invitae), Labcorp
Classification: Likely benign. Last evaluated: 2024-02-06. Review status: criteria provided, single submitter. Criteria: Invitae Variant Classification Sherloc (09022015). Collection method: clinical testing. Allele origin: germline.

GeneDx
Classification: Likely benign. Last evaluated: 2017-06-07. Review status: criteria provided, single submitter. Criteria: GeneDx Variant Classification (06012015). Collection method: clinical testing. Allele origin: germline. Affected: yes.
Comment: This variant is considered likely benign or benign based on one or more of the following criteria: it is a conservative change, it occurs at a poorly conserved position in the protein, it is predicted to be benign by multiple in silico algorithms, and/or has population frequency not consistent with disease.